The following is an entry in ClinVar:

NM_002332.3(LRP1):c.9034del (p.Ala3012fs)

Gene: LRP1 (LDL receptor related protein 1; plus strand). Cytogenetic location: 12q13.3.
Variant type: Deletion.
Coding change: c.9034del on transcript NM_002332.3 (MANE Select); coding-DNA position 9034, one base deleted (G; older notation c.9034delG).
Protein change: p.Ala3012fs; shifts the reading frame from alanine 3012.
Molecular consequence: frameshift variant.
Genome position (GRCh38, 1-based): chr12:57,197,123, G deleted. VCF-style (leftmost placement, unchanged base first): chr12-57197122-TG-T. GRCh37 (hg19) VCF-style: chr12-57590905-TG-T.
Other names: short protein forms A3012fs.
Identifiers: ClinVar variation 4976629 (VCV004976629.1).
Genomic context (GRCh38, chr12:57,197,122, plus strand): 5'-CTGCAGCCAGCGCTGCATCAACACTCATGGCAGCTATAAGTGTCTGTGTGTGGAGGGCTA[TG>T]CACCCCGCGGCGGCGACCCCCACAGCTGCAAGGCTGTGACTGGTGAGATGCGCGCTTGGA-3'

ClinVar aggregate classification (germline): Uncertain significance (1 of 4 stars; one submission).

Submission:

GeneDx
Classification: Uncertain significance. Last evaluated: 2022-12-05. Review status: criteria provided, single submitter. Criteria: GeneDx Variant Classification Process June 2021. Collection method: clinical testing. Allele origin: germline.
Comment: Not observed at significant frequency in large population cohorts (gnomAD); Frameshift variant predicted to result in protein truncation or nonsense mediated decay in a gene or region of a gene for which loss of function is not a well-established mechanism of disease; Has not been previously published as pathogenic or benign to our knowledge; Variants in candidate genes are classified as variants of uncertain significance in accordance with ACMG guidelines (Richards et al., 2015)